The following is an entry in ClinVar:

ClinVar aggregate classification (germline): Uncertain significance (1 of 4 stars; one submission).

Submission:

Labcorp Genetics (formerly Invitae), Labcorp
Classification: Uncertain significance. Last evaluated: 2021-10-31. Review status: criteria provided, single submitter. Criteria: Invitae Variant Classification Sherloc (09022015). Collection method: clinical testing. Allele origin: germline.
Comment: In summary, the available evidence is currently insufficient to determine the role of this variant in disease. Therefore, it has been classified as a Variant of Uncertain Significance. Algorithms developed to predict the effect of missense changes on protein structure and function output the following: SIFT: "Tolerated"; PolyPhen-2: "Benign"; Align-GVGD: "Class C0". The tyrosine amino acid residue is found in multiple mammalian species, which suggests that this missense change does not adversely affect protein function. This variant has not been reported in the literature in individuals affected with ELP1-related conditions. This variant is not present in population databases (gnomAD no frequency). This sequence change replaces histidine, which is basic and polar, with tyrosine, which is neutral and polar, at codon 779 of the ELP1 protein (p.His779Tyr).

NM_003640.5(ELP1):c.2335C>T (p.His779Tyr)

Gene: ELP1 (elongator acetyltransferase complex subunit 1; minus strand). Cytogenetic location: 9q31.3.
Variant type: single nucleotide variant.
Coding change: c.2335C>T on transcript NM_003640.5 (MANE Select); coding-DNA position 2335, C replaced by T.
Protein change: p.His779Tyr; replaces histidine 779 with tyrosine.
Molecular consequence: missense variant.
Genome position (GRCh38, 1-based): chr9:108,898,530, G>A on the plus strand (C>T on the coding strand, the complement: ELP1 is on the minus strand). VCF-style: chr9-108898530-G-A. GRCh37 (hg19) VCF-style: chr9-111660810-G-A.
Other names: c.1993C>T, p.His665Tyr (NM_001318360.2); c.1288C>T, p.His430Tyr (NM_001330749.2); short protein forms H430Y, H779Y, H665Y.
Identifiers: ClinVar variation 1495227 (VCV001495227.5), dbSNP rs2131984597, ClinGen allele CA374421803.